The following is an entry in ClinVar:

NM_001267550.2(TTN):c.22241-14A>G

Gene: TTN (titin; minus strand). Cytogenetic location: 2q31.2.
Variant type: single nucleotide variant.
Coding change: c.22241-14A>G on transcript NM_001267550.2 (MANE Select); 14 bases into the intron before coding-DNA position 22241, A replaced by G.
Molecular consequence: intron variant.
Genome position (GRCh38, 1-based): chr2:178,722,560, T>C on the plus strand (A>G on the coding strand, the complement: TTN is on the minus strand). VCF-style: chr2-178722560-T-C. GRCh37 (hg19) VCF-style: chr2-179587287-T-C.
Other names: c.13282+15522A>G (NM_003319.4); c.13858+15522A>G (NM_133437.4); c.13657+15522A>G (NM_133432.3); c.18509-14A>G (NM_133378.4); c.21290-14A>G (NM_001256850.1).
Identifiers: ClinVar variation 178239 (VCV000178239.8), dbSNP rs371352901, ClinGen allele CA181886.
Genomic context (GRCh38, chr2:178,722,560, plus strand): 5'-TTCAATGTCCTTTAATTGTCTTGCAAAAGAAGGTGGGAGTTGGCGCTCTGTAGGGAGACA[T>C]GTAATACTTAAGGTGTTAGGAGATGAAATGAGAAGTTCACCATAAAGATACAAGAGTTAA-3'

ClinVar aggregate classification (germline): Conflicting classifications of pathogenicity. Review status: criteria provided, conflicting classifications (1 of 4 stars). 2 submissions from 2 submitters: Uncertain significance (1); Likely benign (1). Last evaluated 2026-01-19.

Conditions:
Dilated cardiomyopathy 1G (CMD1G). Identifiers: Orphanet 154, MedGen C1858763, MONDO:0011400, OMIM 604145.
Autosomal recessive limb-girdle muscular dystrophy type 2J (LGMDR10). Also called: Limb-girdle muscular dystrophy, type 2J; MUSCULAR DYSTROPHY, LIMB-GIRDLE, AUTOSOMAL RECESSIVE 10. Identifiers: Orphanet 140922, MedGen C1837342, MONDO:0012127, OMIM 608807.

Allele frequency attached by ClinVar (database versions not stated): gnomAD exomes below 0.00001 and 0.00001; gnomAD 0.00001; TOPMed 0.00002; ESP Exome Variant Server 0.00008.
gnomAD v4.1: 12 of 1,605,692 alleles (0.00075%); highest among the groups gnomAD compares: Non-Finnish European, 0.001%; no homozygotes.

Submissions (2):

Labcorp Genetics (formerly Invitae), Labcorp
Classification: Likely benign for Dilated cardiomyopathy 1G; Autosomal recessive limb-girdle muscular dystrophy type 2J. Last evaluated: 2026-01-19. Review status: criteria provided, single submitter. Criteria: Invitae Variant Classification Sherloc (09022015). Collection method: clinical testing. Allele origin: germline.

Laboratory for Molecular Medicine, Mass General Brigham Personalized Medicine
Classification: Uncertain significance. Last evaluated: 2014-10-22. Review status: criteria provided, single submitter. Criteria: LMM Criteria. Collection method: clinical testing. Allele origin: germline. Observed: 1 variant allele.
Comment: The c.18509-14A>G variant in TTN has not been previously reported in individuals with cardiomyopathy, but has been identified in 1/ 8216 European American chrom osomes by the NHLBI Exome Sequencing Project (dbSNP rs371352901). This variant is located in the 3' splice region. Computatio nal tools do not suggest an impact to splicing. However, this information is not predictive enough to rule out pathogenicity. In summary, the clinical significa nce of the c.18509-14A>G variant is uncertain.